The following is an entry in ClinVar:

NM_005228.5(EGFR):c.1355C>T (p.Ser452Phe)

Gene: EGFR (epidermal growth factor receptor; plus strand). Cytogenetic location: 7p11.2.
Variant type: single nucleotide variant.
Coding change: c.1355C>T on transcript NM_005228.5 (MANE Select); coding-DNA position 1355, C replaced by T.
Protein change: p.Ser452Phe; replaces serine 452 with phenylalanine.
Molecular consequence: missense variant.
Genome position (GRCh38, 1-based): chr7:55,160,195, C>T. VCF-style: chr7-55160195-C-T. GRCh37 (hg19) VCF-style: chr7-55227888-C-T.
Other names: c.1220C>T, p.Ser407Phe (NM_001346897.2, NM_001346899.2); c.1355C>T, p.Ser452Phe (NM_001346898.2, NM_201282.2, NM_201284.2); c.1196C>T, p.Ser399Phe (NM_001346900.2); c.554C>T, p.Ser185Phe (NM_001346941.2); short protein forms S185F, S399F, S407F, S452F.
Identifiers: ClinVar variation 1055397 (VCV001055397.9), dbSNP rs1226827460, ClinGen allele CA367579423.

ClinVar aggregate classification (germline): Uncertain significance (1 of 4 stars; one submission).

Conditions:
EGFR-related lung cancer (EGFR). Identifiers: MedGen CN130014.

Allele frequency attached by ClinVar (database versions not stated): gnomAD exomes below 0.00001.

Submission:

Labcorp Genetics (formerly Invitae), Labcorp
Classification: Uncertain significance for EGFR-related lung cancer. Last evaluated: 2022-12-06. Review status: criteria provided, single submitter. Criteria: Invitae Variant Classification Sherloc (09022015). Collection method: clinical testing. Allele origin: germline.
Comment: This sequence change replaces serine, which is neutral and polar, with phenylalanine, which is neutral and non-polar, at codon 452 of the EGFR protein (p.Ser452Phe). This variant is present in population databases (no rsID available, gnomAD 0.0009%). This variant has not been reported in the literature in individuals affected with EGFR-related conditions. ClinVar contains an entry for this variant (Variation ID: 1055397). Advanced modeling of protein sequence and biophysical properties (such as structural, functional, and spatial information, amino acid conservation, physicochemical variation, residue mobility, and thermodynamic stability) performed at Invitae indicates that this missense variant is expected to disrupt EGFR protein function. In summary, the available evidence is currently insufficient to determine the role of this variant in disease. Therefore, it has been classified as a Variant of Uncertain Significance.